The following continues an entry in ClinVar:

NM_000257.4(MYH7):c.2359C>T (p.Arg787Cys)

ClinVar aggregate classification (germline): Conflicting classifications of pathogenicity. Uncertain significance (14); Likely benign (4).

Submissions 9 to 19 of 19:

Women's Health and Genetics/Laboratory Corporation of America, LabCorp
Classification: Uncertain significance. Last evaluated: 2024-01-08. Review status: criteria provided, single submitter. Criteria: LabCorp Variant Classification Summary - May 2015. Collection method: clinical testing. Allele origin: germline.
Comment: Variant summary: MYH7 c.2359C>T (p.Arg787Cys) results in a non-conservative amino acid change in the encoded protein sequence. Three of five in-silico tools predict a damaging effect of the variant on protein function. The variant allele was found at a frequency of 5.6e-05 in 251470 control chromosomes (gnomAD). This frequency is not significantly higher than estimated for a pathogenic variant in MYH7 causing Hypertrophic Cardiomyopathy (5.6e-05 vs 0.0013), allowing no conclusion about variant significance. c.2359C>T has been reported in the literature in individuals affected with Hypertrophic Cardiomyopathy without strong evidence of causality (e.g. Morita_2008, Garcia-Castro_2009, Coto_2012, Gomez_2017, Walsh_2017, Kurzlechner_2022, McGurk_2023). These reports do not provide unequivocal conclusions about association of the variant with Hypertrophic Cardiomyopathy. To our knowledge, no experimental evidence demonstrating an impact on protein function has been reported. The following publications have been ascertained in the context of this evaluation (PMID: 18403758, 19150014, 27532257, 22765922, 28356264, 35629155, 37652022). ClinVar contains an entry for this variant (Variation ID: 161327). Based on the evidence outlined above, the variant was classified as uncertain significance.

Department of Pathology and Laboratory Medicine, Sinai Health System
Classification: Uncertain significance for MYH7-related skeletal myopathy; Hypertrophic cardiomyopathy 1; Myopathy, myosin storage, autosomal recessive; Myosin storage myopathy; Dilated cardiomyopathy 1S. Last evaluated: 2022-01-17. Review status: criteria provided, single submitter. Criteria: ACMG Guidelines, 2015. Collection method: research. Allele origin: germline.

Mayo Clinic Laboratories, Mayo Clinic
Classification: Uncertain significance. Last evaluated: 2021-09-10. Review status: criteria provided, single submitter. Criteria: ACMG Guidelines, 2015. Collection method: clinical testing. Allele origin: germline.

Blueprint Genetics
Classification: Likely benign. Last evaluated: 2020-09-21. Review status: criteria provided, single submitter. Criteria: ACMG Guidelines, 2015. Collection method: clinical testing. Allele origin: germline.

CHEO Genetics Diagnostic Laboratory, Children's Hospital of Eastern Ontario
Classification: Uncertain significance for Cardiomyopathy. Last evaluated: 2019-08-13. Review status: criteria provided, single submitter. Criteria: ACMG Guidelines, 2015. Collection method: clinical testing. Allele origin: germline.

Laboratory for Molecular Medicine, Mass General Brigham Personalized Medicine
Classification: Uncertain significance. Last evaluated: 2017-09-08. Review status: criteria provided, single submitter. Criteria: LMM Criteria. Collection method: clinical testing. Allele origin: germline. Observed: 1 variant allele.
Comment: This variant has also been identified in 11/126688 E uropean chromosomes by the Genome Aggregation Database (gnomAD; dbSNP rs145677314). Arginine (Arg) at position 787 is not wel l conserved in mammals or evolutionarily distant species and the change to cyste ine (Cys) is present in 2 mammals (megabat and black flying fox). Additional com putational prediction tools do not provide strong support for or against an impa ct to the protein. In summary, the clinical significance of the p.Arg787Cys vari ant is uncertain.

Illumina Laboratory Services, Illumina
Classification: Likely benign for MYH7-related skeletal myopathy. Last evaluated: 2017-04-27. Review status: criteria provided, single submitter. Criteria: ICSL Variant Classification Criteria 13 December 2019. Collection method: clinical testing. Allele origin: germline.
Comment: This variant was observed as part of a predisposition screen in an ostensibly healthy population. A literature search was performed for the gene, cDNA change, and amino acid change (where applicable). No publications were found based on this search. Allele frequency data from public databases allowed determination this variant is unlikely to cause disease. Therefore, this variant is classified as likely benign.

Illumina Laboratory Services, Illumina
Classification: Uncertain significance for Hypertrophic cardiomyopathy 1. Last evaluated: 2017-04-27. Review status: criteria provided, single submitter. Criteria: ICSL Variant Classification Criteria 13 December 2019. Collection method: clinical testing. Allele origin: germline.

Illumina Laboratory Services, Illumina
Classification: Likely benign for Dilated cardiomyopathy 1S. Last evaluated: 2017-04-27. Review status: criteria provided, single submitter. Criteria: ICSL Variant Classification Criteria 13 December 2019. Collection method: clinical testing. Allele origin: germline.
Comment: the same text as in the submission from Illumina Laboratory Services, Illumina above.

Biesecker Lab/Clinical Genomics Section, National Institutes of Health
Classification: Uncertain significance for Cardiomyopathy, hypertrophic. Last evaluated: 2017-01-04. Review status: criteria provided, single submitter. Criteria: ACMG Guidelines, 2015. Collection method: research. Allele origin: unknown. Affected: no. Observed: 1 variant allele.
Comment: The study set was not selected for affection status in relation to arrhythmia or cardiomyopathy. Pathogenicity categories were based on literature curation. See Pubmed ID:25741868 for details.

Medical sequencing

CSER _CC_NCGL, University of Washington
Classification: Uncertain significance for Cardiomyopathy, hypertrophic. Last evaluated: 2014-06-01. Review status: no assertion criteria provided. Collection method: research. Allele origin: germline. Inheritance: Autosomal dominant inheritance. Study: ESP 6500 variant annotation. Not counted in ClinVar's aggregate classification.
Comment: Variants classified for the Actionable exomic incidental findings in 6503 participants: challenges of variant classification manuscript

Literature cited by the submitters: PubMed 18403758 (cited by 5 submitters); PubMed 22765922 (cited by 5 submitters); PubMed 27532257 (cited by 5 submitters); PubMed 37652022 (cited by Labcorp Genetics (formerly Invitae), Labcorp and Women's Health and Genetics/Laboratory Corporation of America, LabCorp); PubMed 18761664 (cited by Ambry Genetics); PubMed 19150014 (cited by 3 submitters); PubMed 23299917 (cited by Ambry Genetics and Laboratory for Molecular Medicine, Mass General Brigham Personalized Medicine); PubMed 23861362 (cited by Ambry Genetics and Laboratory for Molecular Medicine, Mass General Brigham Personalized Medicine); PubMed 25637381 (cited by Ambry Genetics); PubMed 28356264 (cited by 3 submitters); PubMed 28606303 (cited by Ambry Genetics and Laboratory for Molecular Medicine, Mass General Brigham Personalized Medicine); PubMed 32344918 (cited by Ambry Genetics); PubMed 34888877 (cited by All of Us Research Program, National Institutes of Health); PubMed 35629155 (cited by Women's Health and Genetics/Laboratory Corporation of America, LabCorp).